The following is an entry in ClinVar:

NM_000444.6(PHEX):c.1482+3A>C

Genes: PHEX (phosphate regulating endopeptidase X-linked; plus strand), PHEX-AS1 (PHEX antisense RNA 1; minus strand). Cytogenetic location: Xp22.11.
Variant type: single nucleotide variant.
Coding change: c.1482+3A>C on transcript NM_000444.6 (MANE Select); 3 bases into the intron after coding-DNA position 1482, A replaced by C.
Molecular consequence: intron variant.
Genome position (GRCh38, 1-based): chrX:22,168,392, A>C. VCF-style: chrX-22168392-A-C. GRCh37 (hg19) VCF-style: chrX-22186509-A-C.
Other names: c.1482+3A>C (NM_001282754.2).
Identifiers: ClinVar variation 964395 (VCV000964395.10), dbSNP rs1933409121, ClinGen allele CA1139667299.
Genomic context (GRCh38, chrX:22,168,392, plus strand): 5'-AGTTGGCTATCCAGAGTTTATAATGAATGATACTCATGTTAATGAAGACCTCAAAGCTGT[A>C]AGTGCTAAATTTACTGTACTTTTTTTTTTCTGGCAAGTTTTACTGGCCTTGTGCCTTTCA-3'

ClinVar aggregate classification (germline): Pathogenic/Likely pathogenic. Review status: criteria provided, multiple submitters, no conflicts (2 of 4 stars). 2 submissions from 2 submitters: Pathogenic (1); Likely pathogenic (1). Last evaluated 2024-12-26.

Conditions:
Familial X-linked hypophosphatemic vitamin D refractory rickets (XLHRD). Also called: X-Linked Hypophosphatemia; Hypophosphatemic Rickets, X-Linked Dominant; HYPOPHOSPHATEMIC VITAMIN D-RESISTANT RICKETS; Hypophosphatemia, vitamin D-resistant rickets; Vitamin D-resistant rickets, X-linked. Identifiers: Orphanet 89936, MedGen C0733682, MONDO:0010619, OMIM 307800.

Submissions (2):

Women's Health and Genetics/Laboratory Corporation of America, LabCorp
Classification: Likely pathogenic for Familial X-linked hypophosphatemic vitamin D refractory rickets. Last evaluated: 2024-12-26. Review status: criteria provided, single submitter. Criteria: LabCorp Variant Classification Summary - May 2015. Collection method: clinical testing. Allele origin: germline.
Comment: Variant summary: PHEX c.1482+3A>C alters a conserved nucleotide located close to a canonical splice site and therefore could affect mRNA splicing, leading to a significantly altered protein sequence. Several computational tools predict a significant impact on normal splicing: Four predict the variant abolishes a 5' splicing donor site. However, these predictions have yet to be confirmed by functional studies. The variant was absent in 182942 control chromosomes. c.1482+3A>C has been reported in the literature in individuals affected with X-Linked Hypophosphatemic Rickets (Rush_2022, Invitae). These data indicate that the variant is likely to be associated with disease. To our knowledge, no experimental evidence demonstrating an impact on protein function has been reported. The following publications have been ascertained in the context of this evaluation (PMID: 34633109).ClinVar contains an entry for this variant (Variation ID: 964395). Based on the evidence outlined above, the variant was classified as likely pathogenic.

Labcorp Genetics (formerly Invitae), Labcorp
Classification: Pathogenic. Last evaluated: 2022-11-06. Review status: criteria provided, single submitter. Criteria: Invitae Variant Classification Sherloc (09022015). Collection method: clinical testing. Allele origin: germline.
Comment: This variant is not present in population databases (gnomAD no frequency). This sequence change falls in intron 13 of the PHEX gene. It does not directly change the encoded amino acid sequence of the PHEX protein. It affects a nucleotide within the consensus splice site. This variant has been observed in individual(s) with hypophosphatemia (Invitae). ClinVar contains an entry for this variant (Variation ID: 964395). Variants that disrupt the consensus splice site are a relatively common cause of aberrant splicing (PMID: 17576681, 9536098). Algorithms developed to predict the effect of sequence changes on RNA splicing suggest that this variant may disrupt the consensus splice site. For these reasons, this variant has been classified as Pathogenic.

Literature cited by the submitters: PubMed 34633109 (cited by Women's Health and Genetics/Laboratory Corporation of America, LabCorp); PubMed 17576681 (cited by Labcorp Genetics (formerly Invitae), Labcorp); PubMed 9536098 (cited by Labcorp Genetics (formerly Invitae), Labcorp).